The following is an entry in ClinVar:

ClinVar aggregate classification (germline): Uncertain significance. Review status: criteria provided, multiple submitters, no conflicts (2 of 4 stars). 3 submissions from 3 submitters: Uncertain significance (3). Last evaluated 2023-06-30.

Conditions:
Inborn genetic diseases. Identifiers: MedGen C0950123, MeSH D030342.
Mucopolysaccharidosis type 6 (MPS6). Also called: MPS VI; N-ACETYLGALACTOSAMINE-4-SULFATASE DEFICIENCY; ARSB DEFICIENCY; ARYLSULFATASE B DEFICIENCY; MPS 6; Maroteaux Lamy syndrome. Identifiers: Orphanet 583, MedGen C0026709, MONDO:0009661, OMIM 253200.

Allele frequency attached by ClinVar (database versions not stated): gnomAD exomes 0.00001; TOPMed 0.00001; ExAC 0.00002; gnomAD 0.00002; 1000 Genomes Project 30x 0.00031.
gnomAD v4.1: 17 of 1,613,742 alleles (0.0011%); highest among the groups gnomAD compares: Middle Eastern, 0.016%; no homozygotes.

Submissions (3):

Ambry Genetics
Classification: Uncertain significance for Inborn genetic diseases. Last evaluated: 2023-06-30. Review status: criteria provided, single submitter. Criteria: Ambry Variant Classification Scheme 2023. Collection method: clinical testing. Allele origin: germline.

Labcorp Genetics (formerly Invitae), Labcorp
Classification: Uncertain significance for Mucopolysaccharidosis type 6. Last evaluated: 2022-05-06. Review status: criteria provided, single submitter. Criteria: Invitae Variant Classification Sherloc (09022015). Collection method: clinical testing. Allele origin: germline.
Comment: This sequence change replaces tyrosine, which is neutral and polar, with histidine, which is basic and polar, at codon 175 of the ARSB protein (p.Tyr175His). This variant is present in population databases (rs748739839, gnomAD 0.009%). This variant has not been reported in the literature in individuals affected with ARSB-related conditions. Advanced modeling of protein sequence and biophysical properties (such as structural, functional, and spatial information, amino acid conservation, physicochemical variation, residue mobility, and thermodynamic stability) performed at Invitae indicates that this missense variant is expected to disrupt ARSB protein function. In summary, the available evidence is currently insufficient to determine the role of this variant in disease. Therefore, it has been classified as a Variant of Uncertain Significance.

Revvity Omics, Revvity
Classification: Uncertain significance for Mucopolysaccharidosis type 6. Last evaluated: 2021-04-09. Review status: criteria provided, single submitter. Criteria: ACMG Guidelines, 2015. Collection method: clinical testing. Allele origin: germline.

NM_000046.5(ARSB):c.523T>C (p.Tyr175His)

Gene: ARSB (arylsulfatase B; minus strand). Cytogenetic location: 5q14.1.
Variant type: single nucleotide variant.
Coding change: c.523T>C on transcript NM_000046.5 (MANE Select); coding-DNA position 523, T replaced by C.
Protein change: p.Tyr175His; replaces tyrosine 175 with histidine.
Molecular consequence: missense variant.
Genome position (GRCh38, 1-based): chr5:78,964,583, A>G on the plus strand (T>C on the coding strand, the complement: ARSB is on the minus strand). VCF-style: chr5-78964583-A-G. GRCh37 (hg19) VCF-style: chr5-78260406-A-G.
Other names: c.523T>C, p.Tyr175His (NM_198709.3); c.523T>C (NM_000046.3); short protein forms Y175H.
Identifiers: ClinVar variation 2049881 (VCV002049881.6), dbSNP rs748739839, ClinGen allele CA3318238.
Genomic context (GRCh38, chr5:78,964,583, plus strand): 5'-CAAGAGCACATCGTGTGACATTCAGAGCGTCAATTAATGTACAGCGTTCATGGGAATAAT[A>G]ATCTTCACTACCCAGGAGATATCCTGCAAGAATGGAAGACGAAAATAGTCAGCATAGCAT-3'
Protein context (NP_000037.2, residues 165-185): YFGYLLGSED[Tyr175His]YSHERCTLID